The following is an entry in ClinVar:

ClinVar aggregate classification (germline): Pathogenic. Review status: criteria provided, multiple submitters, no conflicts (2 of 4 stars). 5 submissions from 5 submitters: Pathogenic (3). 2 of the submissions do not count toward it. Last evaluated 2025-02-10.

Conditions:
Foveal hypoplasia - optic nerve decussation defect - anterior segment dysgenesis syndrome. Also called: FOVEAL HYPOPLASIA 2 WITH OPTIC NERVE DECUSSATION DEFECTS AND ANTERIOR SEGMENT DYSGENESIS WITHOUT ALBINISM; FOVEAL HYPOPLASIA 2 WITH OR WITHOUT OPTIC NERVE MISROUTING AND/OR ANTERIOR SEGMENT DYSGENESIS; FOVEAL HYPOPLASIA 2 WITH OR WITHOUT MICROPHTHALMIA OR COLOBOMA; Foveal hypoplasia 2. Identifiers: Orphanet 397618, MedGen C3807873, MONDO:0012216, OMIM 609218.
SLC38A8-related disorder. Also called: SLC38A8-related condition.
Foveal hypoplasia. Also called: Hypoplasia of the fovea. Identifiers: MedGen C2673946, MONDO:0044203, HP:0007750.

Allele frequency attached by ClinVar (database versions not stated): gnomAD exomes below 0.00001; ExAC 0.00001.
gnomAD v4.1: 7 of 1,613,980 alleles (0.00043%); highest among the groups gnomAD compares: Non-Finnish European, 0.00051%; no homozygotes.

Submissions (5):

Women's Health and Genetics/Laboratory Corporation of America, LabCorp
Classification: Pathogenic for Foveal hypoplasia - optic nerve decussation defect - anterior segment dysgenesis syndrome. Last evaluated: 2025-02-10. Review status: criteria provided, single submitter. Criteria: LabCorp Variant Classification Summary - May 2015. Collection method: clinical testing. Allele origin: germline.
Comment: Variant summary: SLC38A8 c.95T>G (p.Ile32Ser) results in a non-conservative amino acid change in the encoded protein sequence. Four of five in-silico tools predict a damaging effect of the variant on protein function. The variant allele was found at a frequency of 4e-06 in 251200 control chromosomes. c.95T>G has been reported in the literature in multiple individuals affected with Foveal Hypoplasia, Optic Nerve Decussation Defect, Anterior Segment Dysgenesis Syndrome (example: Perez_2013). These data indicate that the variant is very likely to be associated with disease. The following publication has been ascertained in the context of this evaluation (PMID: 24045842). ClinVar contains an entry for this variant (Variation ID: 125442). Based on the evidence outlined above, the variant was classified as pathogenic.

Blueprint Genetics
Classification: Pathogenic for SLC38A8-related disorders. Last evaluated: 2024-07-09. Review status: criteria provided, single submitter. Criteria: ACMG Guidelines, 2015. Collection method: clinical testing. Allele origin: germline. Affected: yes. Observed: 1 variant allele.

Labcorp Genetics (formerly Invitae), Labcorp
Classification: Pathogenic. Last evaluated: 2023-11-09. Review status: criteria provided, single submitter. Criteria: Invitae Variant Classification Sherloc (09022015). Collection method: clinical testing. Allele origin: germline.
Comment: This sequence change replaces isoleucine, which is neutral and non-polar, with serine, which is neutral and polar, at codon 32 of the SLC38A8 protein (p.Ile32Ser). This variant is present in population databases (rs587777253, gnomAD 0.0009%). This missense change has been observed in individual(s) with foveal hypoplasia (PMID: 24045842, 32032626, 33594928). It is commonly reported in individuals of Indian Jewish ancestry (PMID: 24045842, 35029636). ClinVar contains an entry for this variant (Variation ID: 125442). Advanced modeling of protein sequence and biophysical properties (such as structural, functional, and spatial information, amino acid conservation, physicochemical variation, residue mobility, and thermodynamic stability) performed at Invitae indicates that this missense variant is not expected to disrupt SLC38A8 protein function with a negative predictive value of 80%. For these reasons, this variant has been classified as Pathogenic.

Sharon lab, Hadassah-Hebrew University Medical Center
Classification: Pathogenic for foveal hypoplasia. Last evaluated: 2019-06-23. Review status: no assertion criteria provided. Collection method: research. Allele origin: inherited. Affected: yes. Not counted in ClinVar's aggregate classification.

OMIM
Classification: Pathogenic for FOVEAL HYPOPLASIA 2. Last evaluated: 2013-09-18. Review status: no assertion criteria provided. Collection method: literature only. Allele origin: germline. Not counted in ClinVar's aggregate classification.

Literature cited by the submitters: PubMed 24045842 (cited by 3 submitters); PubMed 32032626 (cited by Labcorp Genetics (formerly Invitae), Labcorp); PubMed 33594928 (cited by Labcorp Genetics (formerly Invitae), Labcorp); PubMed 35029636 (cited by Labcorp Genetics (formerly Invitae), Labcorp).

NM_001080442.3(SLC38A8):c.95T>G (p.Ile32Ser)

Gene: SLC38A8 (solute carrier family 38 member 8; minus strand). Cytogenetic location: 16q23.3.
Variant type: single nucleotide variant.
Coding change: c.95T>G on transcript NM_001080442.3 (MANE Select); coding-DNA position 95, T replaced by G.
Protein change: p.Ile32Ser; replaces isoleucine 32 with serine.
Molecular consequence: missense variant.
Genome position (GRCh38, 1-based): chr16:84,042,063, A>C on the plus strand (T>G on the coding strand, the complement: SLC38A8 is on the minus strand). VCF-style: chr16-84042063-A-C. GRCh37 (hg19) VCF-style: chr16-84075668-A-C.
Other names: short protein forms I32S.
Identifiers: ClinVar variation 125442 (VCV000125442.7), dbSNP rs587777253, ClinGen allele CA150834.